The following is an entry in ClinVar:

ClinVar aggregate classification (germline): Conflicting classifications of pathogenicity. Review status: criteria provided, conflicting classifications (1 of 4 stars). 3 submissions from 3 submitters: Uncertain significance (2); Likely benign (1). Last evaluated 2025-06-16.

Conditions:
Neurodevelopmental disorder with cerebellar atrophy and with or without seizures. Identifiers: MedGen C4748032, MONDO:0020841, OMIM 618056.
Neonatal-onset encephalopathy with rigidity and seizures. Also called: Lethal neonatal spasticity-epileptic encephalopathy syndrome. Identifiers: Orphanet 435845, MedGen C3281029, MONDO:0013784, OMIM 614498.
Inborn genetic diseases. Identifiers: MedGen C0950123, MeSH D030342.

Allele frequency attached by ClinVar (database versions not stated): TOPMed 0.00003; ExAC 0.00010; gnomAD exomes 0.00012.
gnomAD v4.1: 22 of 1,541,504 alleles (0.0014%); highest among the groups gnomAD compares: East Asian, 0.048%; no homozygotes.

Submissions (3):

Labcorp Genetics (formerly Invitae), Labcorp
Classification: Likely benign for Neonatal-onset encephalopathy with rigidity and seizures. Last evaluated: 2025-06-16. Review status: criteria provided, single submitter. Criteria: Invitae Variant Classification Sherloc (09022015). Collection method: clinical testing. Allele origin: germline.

Ambry Genetics
Classification: Uncertain significance for Inborn genetic diseases. Last evaluated: 2023-11-28. Review status: criteria provided, single submitter. Criteria: Ambry Variant Classification Scheme 2023. Collection method: clinical testing. Allele origin: germline.

Baylor Genetics
Classification: Uncertain significance for Neurodevelopmental disorder with cerebellar atrophy and with or without seizures. Last evaluated: 2019-01-17. Review status: criteria provided, single submitter. Criteria: ACMG Guidelines, 2015. Collection method: clinical testing. Allele origin: maternal. Affected: yes.
Comment: This variant was determined to be of uncertain significance according to ACMG Guidelines, 2015 [PMID:25741868].

NM_152743.4(BRAT1):c.750A>C (p.Arg250Ser)

Gene: BRAT1 (BRCA1 associated ATM activator 1; minus strand). Cytogenetic location: 7p22.3.
Variant type: single nucleotide variant.
Coding change: c.750A>C on transcript NM_152743.4 (MANE Select); coding-DNA position 750, A replaced by C.
Protein change: p.Arg250Ser; replaces arginine 250 with serine.
Molecular consequence: missense variant. On other transcripts: non-coding transcript variant (1).
Genome position (GRCh38, 1-based): chr7:2,543,643, T>G on the plus strand (A>C on the coding strand, the complement: BRAT1 is on the minus strand). VCF-style: chr7-2543643-T-G. GRCh37 (hg19) VCF-style: chr7-2583277-T-G.
Other names: c.750A>C, p.Arg250Ser (NM_001350626.2); c.225A>C, p.Arg75Ser (NM_001350627.2); short protein forms R75S, R250S.
Identifiers: ClinVar variation 853908 (VCV000853908.7), dbSNP rs764775903, ClinGen allele CA4128107.